The following is an entry in ClinVar:

NM_000388.4(CASR):c.1164G>C (p.Ser388=)

Gene: CASR (calcium sensing receptor; plus strand). Cytogenetic location: 3q21.1.
Variant type: single nucleotide variant.
Coding change: c.1164G>C on transcript NM_000388.4 (MANE Select); coding-DNA position 1164, G replaced by C.
Protein change: p.Ser388=; no amino-acid change (serine 388 retained).
Molecular consequence: synonymous variant.
Genome position (GRCh38, 1-based): chr3:122,262,199, G>C. VCF-style: chr3-122262199-G-C. GRCh37 (hg19) VCF-style: chr3-121981046-G-C.
Other names: p.Ser388=; c.1164G>C, p.Ser388= (NM_001178065.2); c.1164G>C (NM_000388.3).
Identifiers: ClinVar variation 1665966 (VCV001665966.10), dbSNP rs200898785, ClinGen allele CA435424583.
Genomic context (GRCh38, chr3:122,262,199, plus strand): 5'-ACCTGTGGACACCTTTCTGAGAGGTCACGAAGAAAGTGGCGACAGGTTTAGCAACAGCTC[G>C]ACAGCCTTCCGACCCCTCTGTACAGGGGATGAGAACATCAGCAGTGTCGAGACCCCTTAC-3'
Protein context (NP_000379.3, residues 378-398): EESGDRFSNS[Ser388=]TAFRPLCTGD

ClinVar aggregate classification (germline): Likely benign. Review status: criteria provided, multiple submitters, no conflicts (2 of 4 stars). 3 submissions from 3 submitters: Likely benign (3). Last evaluated 2025-10-21.

Conditions:
Familial hypocalciuric hypercalcemia (FHH). Also called: Familial benign hypercalcemia. Identifiers: Orphanet 405, MedGen C1809471, MONDO:0018458.
Autosomal dominant hypocalcemia 1 (HYPOC1). Also called: HYPOCALCEMIA, FAMILIAL. Identifiers: MedGen C3715128, MONDO:0011013, OMIM 601198.
Nephrolithiasis/nephrocalcinosis. Identifiers: MedGen CN580796.

Submissions (3):

Mayo Clinic Laboratories, Mayo Clinic
Classification: Likely benign. Last evaluated: 2025-10-21. Review status: criteria provided, single submitter. Criteria: ACMG Guidelines, 2015. Collection method: clinical testing. Allele origin: germline. Observed: 1 variant allele.
Comment: BP4, BP7

Ambry Genetics
Classification: Likely benign for Nephrolithiasis/nephrocalcinosis. Last evaluated: 2024-06-23. Review status: criteria provided, single submitter. Criteria: Ambry Variant Classification Scheme 2023. Collection method: clinical testing. Allele origin: germline.

Labcorp Genetics (formerly Invitae), Labcorp
Classification: Likely benign for Familial hypocalciuric hypercalcemia; Autosomal dominant hypocalcemia 1. Last evaluated: 2022-10-04. Review status: criteria provided, single submitter. Criteria: Invitae Variant Classification Sherloc (09022015). Collection method: clinical testing. Allele origin: germline.